The following is an entry in ClinVar:

NM_014874.4(MFN2):c.1161-18C>T

Gene: MFN2 (mitofusin 2; plus strand). Cytogenetic location: 1p36.22.
Variant type: single nucleotide variant.
Coding change: c.1161-18C>T on transcript NM_014874.4 (MANE Select); 18 bases into the intron before coding-DNA position 1161, C replaced by T.
Molecular consequence: intron variant.
Genome position (GRCh38, 1-based): chr1:12,003,974, C>T. VCF-style: chr1-12003974-C-T. GRCh37 (hg19) VCF-style: chr1-12064031-C-T.
Other names: c.1161-18C>T (NM_001127660.2).
Identifiers: ClinVar variation 681591 (VCV000681591.1), dbSNP rs1351551038, ClinGen allele CA521183966.

ClinVar aggregate classification (germline): Likely benign (1 of 4 stars; one submission).

Allele frequency attached by ClinVar (database versions not stated): gnomAD 0.00001 and 0.00003.
gnomAD v4.1: 1 of 1,614,024 alleles (0.000062%); highest among the groups gnomAD compares: African/African-American, 0.0013%; no homozygotes.

Submission:

GeneDx
Classification: Likely benign. Last evaluated: 2018-04-17. Review status: criteria provided, single submitter. Criteria: GeneDx Variant Classification (06012015). Collection method: clinical testing. Allele origin: germline. Affected: yes.
Comment: This variant is considered likely benign or benign based on one or more of the following criteria: it is a conservative change, it occurs at a poorly conserved position in the protein, it is predicted to be benign by multiple in silico algorithms, and/or has population frequency not consistent with disease.